The following is an entry in ClinVar:

NM_022725.4(FANCF):c.841T>C (p.Trp281Arg)

Gene: FANCF (FA complementation group F; minus strand). Cytogenetic location: 11p14.3.
Variant type: single nucleotide variant.
Coding change: c.841T>C on transcript NM_022725.4 (MANE Select); coding-DNA position 841, T replaced by C.
Protein change: p.Trp281Arg; replaces tryptophan 281 with arginine.
Molecular consequence: missense variant.
Genome position (GRCh38, 1-based): chr11:22,624,970, A>G on the plus strand (T>C on the coding strand, the complement: FANCF is on the minus strand). VCF-style: chr11-22624970-A-G. GRCh37 (hg19) VCF-style: chr11-22646516-A-G.
Other names: short protein forms W281R.
Identifiers: ClinVar variation 2145566 (VCV002145566.4), dbSNP rs1484902312, ClinGen allele CA380058226.

ClinVar aggregate classification (germline): Uncertain significance (1 of 4 stars; one submission).

Conditions:
Fanconi anemia (FA). Also called: Fanconi's anemia. Identifiers: Orphanet 84, MedGen C0015625, MeSH D005199, MONDO:0019391.

Allele frequency attached by ClinVar (database versions not stated): TOPMed below 0.00001.

Submission:

Labcorp Genetics (formerly Invitae), Labcorp
Classification: Uncertain significance for Fanconi anemia. Last evaluated: 2025-07-28. Review status: criteria provided, single submitter. Criteria: Invitae Variant Classification Sherloc (09022015). Collection method: clinical testing. Allele origin: germline.
Comment: This sequence change replaces tryptophan, which is neutral and slightly polar, with arginine, which is basic and polar, at codon 281 of the FANCF protein (p.Trp281Arg). This variant is not present in population databases (gnomAD no frequency). This variant has not been reported in the literature in individuals affected with FANCF-related conditions. ClinVar contains an entry for this variant (Variation ID: 2145566). Invitae Evidence Modeling of protein sequence and biophysical properties (such as structural, functional, and spatial information, amino acid conservation, physicochemical variation, residue mobility, and thermodynamic stability) indicates that this missense variant is expected to disrupt FANCF protein function with a positive predictive value of 80%. In summary, the available evidence is currently insufficient to determine the role of this variant in disease. Therefore, it has been classified as a Variant of Uncertain Significance.